The following is an entry in ClinVar:

NM_001457.4(FLNB):c.484A>T (p.Asn162Tyr)

Gene: FLNB (filamin B; plus strand). Cytogenetic location: 3p14.3.
Variant type: single nucleotide variant.
Coding change: c.484A>T on transcript NM_001457.4 (MANE Select); coding-DNA position 484, A replaced by T.
Protein change: p.Asn162Tyr; replaces asparagine 162 with tyrosine.
Molecular consequence: missense variant.
Genome position (GRCh38, 1-based): chr3:58,077,237, A>T. VCF-style: chr3-58077237-A-T. GRCh37 (hg19) VCF-style: chr3-58062964-A-T.
Other names: c.484A>T, p.Asn162Tyr (NM_001164317.2, NM_001164318.2, NM_001164319.2); short protein forms N162Y.
Identifiers: ClinVar variation 1303374 (VCV001303374.5), dbSNP rs777678654, ClinGen allele CA2467528.

ClinVar aggregate classification (germline): Uncertain significance. Review status: criteria provided, multiple submitters, no conflicts (2 of 4 stars). 2 submissions from 2 submitters: Uncertain significance (2). Last evaluated 2023-04-11.

Allele frequency attached by ClinVar (database versions not stated): TOPMed below 0.00001; gnomAD exomes 0.00001; ExAC 0.00002.
gnomAD v4.1: 10 of 1,614,196 alleles (0.00062%); highest among the groups gnomAD compares: Non-Finnish European, 0.00076%; no homozygotes.

Submissions (2):

Labcorp Genetics (formerly Invitae), Labcorp
Classification: Uncertain significance. Last evaluated: 2023-04-11. Review status: criteria provided, single submitter. Criteria: Invitae Variant Classification Sherloc (09022015). Collection method: clinical testing. Allele origin: germline.
Comment: In summary, the available evidence is currently insufficient to determine the role of this variant in disease. Therefore, it has been classified as a Variant of Uncertain Significance. Advanced modeling of protein sequence and biophysical properties (such as structural, functional, and spatial information, amino acid conservation, physicochemical variation, residue mobility, and thermodynamic stability) has been performed at Invitae for this missense variant, however the output from this modeling did not meet the statistical confidence thresholds required to predict the impact of this variant on FLNB protein function. ClinVar contains an entry for this variant (Variation ID: 1303374). This variant has not been reported in the literature in individuals affected with FLNB-related conditions. This variant is present in population databases (rs777678654, gnomAD 0.002%). This sequence change replaces asparagine, which is neutral and polar, with tyrosine, which is neutral and polar, at codon 162 of the FLNB protein (p.Asn162Tyr).

GeneDx
Classification: Uncertain significance. Last evaluated: 2020-01-16. Review status: criteria provided, single submitter. Criteria: GeneDx Variant Classification Process June 2021. Collection method: clinical testing. Allele origin: germline. Affected: yes.
Comment: Not observed at a significant frequency in large population cohorts (Lek et al., 2016); In silico analysis, which includes protein predictors and evolutionary conservation, supports a deleterious effect; Has not been previously published as pathogenic or benign to our knowledge